The following is an entry in ClinVar:

NM_000093.5(COL5A1):c.5136+17C>T

Genes: COL5A1 (collagen type V alpha 1 chain; plus strand), LOC101448202 (uncharacterized LOC101448202; minus strand). Cytogenetic location: 9q34.3.
Variant type: single nucleotide variant.
Coding change: c.5136+17C>T on transcript NM_000093.5 (MANE Select); 17 bases into the intron after coding-DNA position 5136, C replaced by T.
Molecular consequence: intron variant.
Genome position (GRCh38, 1-based): chr9:134,830,061, C>T. VCF-style: chr9-134830061-C-T. GRCh37 (hg19) VCF-style: chr9-137721907-C-T.
Other names: c.5068-47C>T (NM_001278074.1).
Identifiers: ClinVar variation 381904 (VCV000381904.6), dbSNP rs765571792, ClinGen allele CA5320593.

ClinVar aggregate classification (germline): Likely benign. Review status: criteria provided, multiple submitters, no conflicts (2 of 4 stars). 2 submissions from 2 submitters: Likely benign (2). Last evaluated 2025-02-02.

Conditions:
Ehlers-Danlos syndrome, classic type, 1 (EDSCL1). Also called: EHLERS-DANLOS SYNDROME, GRAVIS TYPE; EHLERS-DANLOS SYNDROME, SEVERE CLASSIC TYPE; Ehlers-Danlos Syndrome, Classic Type, COL5A1-Related; EDS I; Ehlers-Danlos syndrome, type 1. Identifiers: MedGen C0268335, MONDO:0019567, OMIM 130000.

Allele frequency attached by ClinVar (database versions not stated): gnomAD exomes 0.00001; ExAC 0.00002; gnomAD 0.00001; TOPMed 0.00002.
gnomAD v4.1: 19 of 1,613,694 alleles (0.0012%); highest among the groups gnomAD compares: East Asian, 0.0022%; no homozygotes.

Submissions (2):

Labcorp Genetics (formerly Invitae), Labcorp
Classification: Likely benign for Ehlers-Danlos syndrome, classic type, 1. Last evaluated: 2025-02-02. Review status: criteria provided, single submitter. Criteria: Invitae Variant Classification Sherloc (09022015). Collection method: clinical testing. Allele origin: germline.

GeneDx
Classification: Likely benign. Last evaluated: 2015-12-01. Review status: criteria provided, single submitter. Criteria: GeneDx Variant Classification (06012015). Collection method: clinical testing. Allele origin: germline. Affected: yes.
Comment: This variant is considered likely benign or benign based on one or more of the following criteria: it is a conservative change, it occurs at a poorly conserved position in the protein, it is predicted to be benign by multiple in silico algorithms, and/or has population frequency not consistent with disease.